The following is an entry in ClinVar:

ClinVar aggregate classification (germline): Uncertain significance (1 of 4 stars; one submission).

Conditions:
Gorlin syndrome. Also called: Basal cell nevus syndrome; Nevoid Basal Cell Carcinoma Syndrome. Identifiers: Orphanet 377, MedGen C0004779, MONDO:0007187.

Submission:

Labcorp Genetics (formerly Invitae), Labcorp
Classification: Uncertain significance for Gorlin syndrome. Last evaluated: 2024-03-28. Review status: criteria provided, single submitter. Criteria: Invitae Variant Classification Sherloc (09022015). Collection method: clinical testing. Allele origin: germline.
Comment: This sequence change replaces valine, which is neutral and non-polar, with glycine, which is neutral and non-polar, at codon 1084 of the PTCH1 protein (p.Val1084Gly). This variant is not present in population databases (gnomAD no frequency). This variant has not been reported in the literature in individuals affected with PTCH1-related conditions. Advanced modeling of protein sequence and biophysical properties (such as structural, functional, and spatial information, amino acid conservation, physicochemical variation, residue mobility, and thermodynamic stability) has been performed at Invitae for this missense variant, however the output from this modeling did not meet the statistical confidence thresholds required to predict the impact of this variant on PTCH1 protein function. In summary, the available evidence is currently insufficient to determine the role of this variant in disease. Therefore, it has been classified as a Variant of Uncertain Significance.

NM_000264.5(PTCH1):c.3251T>G (p.Val1084Gly)

Gene: PTCH1 (patched 1; minus strand). Cytogenetic location: 9q22.32.
Variant type: single nucleotide variant.
Coding change: c.3251T>G on transcript NM_000264.5 (MANE Select); coding-DNA position 3251, T replaced by G.
Protein change: p.Val1084Gly; replaces valine 1084 with glycine.
Molecular consequence: missense variant. On other transcripts: non-coding transcript variant (1).
Genome position (GRCh38, 1-based): chr9:95,456,331, A>C on the plus strand (T>G on the coding strand, the complement: PTCH1 is on the minus strand). VCF-style: chr9-95456331-A-C. GRCh37 (hg19) VCF-style: chr9-98218613-A-C.
Other names: c.3053T>G, p.Val1018Gly (NM_001083602.3); c.3248T>G, p.Val1083Gly (NM_001083603.3); c.2798T>G, p.Val933Gly (NM_001083604.3, NM_001083605.3, NM_001083606.3 and 1 more transcripts); c.3095T>G, p.Val1032Gly (NM_001354918.2); short protein forms V1083G, V1018G, V933G, V1032G, V1084G.
Identifiers: ClinVar variation 3716129 (VCV003716129.2).